The following is an entry in ClinVar:

NM_152564.5(VPS13B):c.9359T>C (p.Phe3120Ser)

Gene: VPS13B (vacuolar protein sorting 13 homolog B; plus strand). Cytogenetic location: 8q22.2.
Variant type: single nucleotide variant.
Coding change: c.9359T>C on transcript NM_152564.5 (MANE Select); coding-DNA position 9359, T replaced by C.
Protein change: p.Phe3120Ser; replaces phenylalanine 3120 with serine.
Molecular consequence: missense variant.
Genome position (GRCh38, 1-based): chr8:99,832,397, T>C. VCF-style: chr8-99832397-T-C. GRCh37 (hg19) VCF-style: chr8-100844625-T-C.
Other names: c.9434T>C, p.Phe3145Ser (NM_017890.5); short protein forms F3145S, F3120S.
Identifiers: ClinVar variation 1361706 (VCV001361706.5), dbSNP rs1490268361, ClinGen allele CA371781145.

ClinVar aggregate classification (germline): Uncertain significance (1 of 4 stars; one submission).

Conditions:
Cohen syndrome (COH1). Also called: PEPPER SYNDROME; Cutis verticis gyrata, retinitis pigmentosa, and sensorineural deafness. Identifiers: Orphanet 193, MedGen C0265223, MONDO:0008999, OMIM 216550.

Submission:

Labcorp Genetics (formerly Invitae), Labcorp
Classification: Uncertain significance for Cohen syndrome. Last evaluated: 2022-01-13. Review status: criteria provided, single submitter. Criteria: Invitae Variant Classification Sherloc (09022015). Collection method: clinical testing. Allele origin: germline.
Comment: This sequence change replaces phenylalanine, which is neutral and non-polar, with serine, which is neutral and polar, at codon 3145 of the VPS13B protein (p.Phe3145Ser). This variant is not present in population databases (gnomAD no frequency). This variant has not been reported in the literature in individuals affected with VPS13B-related conditions. Algorithms developed to predict the effect of missense changes on protein structure and function are either unavailable or do not agree on the potential impact of this missense change (SIFT: "Not Available"; PolyPhen-2: "Benign"; Align-GVGD: "Not Available"). In summary, the available evidence is currently insufficient to determine the role of this variant in disease. Therefore, it has been classified as a Variant of Uncertain Significance.